The following is an entry in ClinVar:

ClinVar aggregate classification (germline): Uncertain significance (1 of 4 stars; one submission).

Conditions:
Hereditary cancer-predisposing syndrome. Also called: Neoplastic Syndromes, Hereditary; Tumor predisposition; Hereditary Cancer Syndrome; Hereditary neoplastic syndrome. Identifiers: Orphanet 140162, MedGen C0027672, MeSH D009386, MONDO:0015356.

Submission:

Color Diagnostics, LLC DBA Color Health
Classification: Uncertain significance for Hereditary cancer-predisposing syndrome. Last evaluated: 2023-12-04. Review status: criteria provided, single submitter. Criteria: ACMG Guidelines, 2015. Collection method: clinical testing. Allele origin: germline.
Comment: This missense variant replaces valine with leucine at codon 157 of the PMS2 protein. Computational prediction is inconclusive regarding the impact of this variant on protein structure and function (internally defined REVEL score threshold 0.5 < inconclusive < 0.7, PMID: 27666373). To our knowledge, functional studies have not been reported for this variant. This variant has not been reported in individuals affected with PMS2-related disorders in the literature. This variant has not been identified in the general population by the Genome Aggregation Database (gnomAD). The available evidence is insufficient to determine the role of this variant in disease conclusively. Therefore, this variant is classified as a Variant of Uncertain Significance.

NM_000535.7(PMS2):c.469G>C (p.Val157Leu)

Gene: PMS2 (PMS1 homolog 2, mismatch repair system component; minus strand). Cytogenetic location: 7p22.1.
Variant type: single nucleotide variant.
Coding change: c.469G>C on transcript NM_000535.7 (MANE Select); coding-DNA position 469, G replaced by C.
Protein change: p.Val157Leu; replaces valine 157 with leucine.
Molecular consequence: missense variant. On other transcripts: 5 prime UTR variant (2), non-coding transcript variant (1).
Genome position (GRCh38, 1-based): chr7:6,002,521, C>G on the plus strand (G>C on the coding strand, the complement: PMS2 is on the minus strand). VCF-style: chr7-6002521-C-G. GRCh37 (hg19) VCF-style: chr7-6042152-C-G.
Other names: c.64G>C, p.Val22Leu (NM_001322003.2, NM_001322004.2, NM_001322005.2 and 3 more transcripts); c.469G>C, p.Val157Leu (NM_001322006.2, NM_001322014.2); c.151G>C, p.Val51Leu (NM_001322007.2, NM_001322008.2); c.-416G>C (NM_001322011.2, NM_001322012.2); c.160G>C, p.Val54Leu (NM_001322015.2); short protein forms V22L, V157L, V51L, V54L.
Identifiers: ClinVar variation 923691 (VCV000923691.4), dbSNP rs1554303946, ClinGen allele CA366744291.